The following is an entry in ClinVar:

ClinVar aggregate classification (germline): Likely pathogenic (1 of 4 stars; one submission).

Conditions:
Pyridoxine-dependent epilepsy (EPEO4). Also called: Pyridoxine-Dependent Seizures; Pyridoxine-Dependent Epilepsy - ALDH7A1; PYRIDOXINE DEPENDENCY WITH SEIZURES; EPILEPSY, EARLY-ONSET, 4, VITAMIN B6-DEPENDENT. Identifiers: Orphanet 3006, MedGen C1849508, MONDO:0009945, OMIM 266100. Disease mechanism: loss of function.

Submission:

Labcorp Genetics (formerly Invitae), Labcorp
Classification: Likely pathogenic for Pyridoxine-dependent epilepsy. Last evaluated: 2025-08-14. Review status: criteria provided, single submitter. Criteria: Invitae Variant Classification Sherloc (09022015). Collection method: clinical testing. Allele origin: germline.
Comment: This sequence change affects an acceptor splice site in intron 4 of the ALDH7A1 gene. It is expected to disrupt RNA splicing. Variants that disrupt the donor or acceptor splice site typically lead to a loss of protein function (PMID: 16199547), and loss-of-function variants in ALDH7A1 are known to be pathogenic (PMID: 16491085, 20554659). This variant is not present in population databases (gnomAD no frequency). Disruption of this splice site has been observed in individual(s) with pyridoxine dependent epilepsy (PMID: 30043187). ClinVar contains an entry for this variant (Variation ID: 1480914). Algorithms developed to predict the effect of sequence changes on RNA splicing suggest that this variant may disrupt the consensus splice site. In summary, the currently available evidence indicates that the variant is pathogenic, but additional data are needed to prove that conclusively. Therefore, this variant has been classified as Likely Pathogenic.

Literature cited by the submitters: PubMed 16199547; PubMed 16491085; PubMed 20554659; PubMed 30043187.

NM_001182.5(ALDH7A1):c.394-2A>G

Gene: ALDH7A1 (aldehyde dehydrogenase 7 family member A1; minus strand). Cytogenetic location: 5q23.2.
Variant type: single nucleotide variant.
Coding change: c.394-2A>G on transcript NM_001182.5 (MANE Select); the canonical splice acceptor site of the intron before coding-DNA position 394, A replaced by G.
Molecular consequence: splice acceptor variant.
Genome position (GRCh38, 1-based): chr5:126,582,976, T>C on the plus strand (A>G on the coding strand, the complement: ALDH7A1 is on the minus strand). VCF-style: chr5-126582976-T-C. GRCh37 (hg19) VCF-style: chr5-125918668-T-C.
Other names: c.394-2A>G (NM_001202404.2); c.310-2A>G (NM_001201377.2).
Identifiers: ClinVar variation 1480914 (VCV001480914.6), dbSNP rs1450133957, ClinGen allele CA360731967.